The following is an entry in ClinVar:

ClinVar aggregate classification (germline): Uncertain significance (1 of 4 stars; one submission).

Conditions:
Inborn genetic diseases. Identifiers: MedGen C0950123, MeSH D030342.

Submission:

Ambry Genetics
Classification: Uncertain significance for Inborn genetic diseases. Last evaluated: 2026-06-30. Review status: criteria provided, single submitter. Criteria: Ambry Variant Classification Scheme 2023. Collection method: clinical testing. Allele origin: germline.
Comment: The p.S964F variant (also known as c.2891C>T), located in coding exon 1 of the SAMD9 gene, results from a C to T substitution at nucleotide position 2891. The serine at codon 964 is replaced by phenylalanine, an amino acid with highly dissimilar properties. This amino acid position is conserved. In addition, this alteration is predicted to be tolerated by in silico analysis. Based on the available evidence, the clinical significance of this variant remains unclear.

NM_017654.4(SAMD9):c.2891C>T (p.Ser964Phe)

Gene: SAMD9 (sterile alpha motif domain containing 9; minus strand). Cytogenetic location: 7q21.2.
Variant type: single nucleotide variant.
Coding change: c.2891C>T on transcript NM_017654.4 (MANE Select); coding-DNA position 2891, C replaced by T.
Protein change: p.Ser964Phe; replaces serine 964 with phenylalanine.
Molecular consequence: missense variant.
Genome position (GRCh38, 1-based): chr7:93,103,207, G>A on the plus strand (C>T on the coding strand, the complement: SAMD9 is on the minus strand). VCF-style: chr7-93103207-G-A. GRCh37 (hg19) VCF-style: chr7-92732520-G-A.
Other names: c.2891C>T, p.Ser964Phe (NM_001193307.2); short protein forms S964F.
Identifiers: ClinVar variation 5028743 (VCV005028743.1).